The following is an entry in ClinVar:

NM_004369.4(COL6A3):c.1483C>A (p.Pro495Thr)

Gene: COL6A3 (collagen type VI alpha 3 chain; minus strand). Cytogenetic location: 2q37.3.
Variant type: single nucleotide variant.
Coding change: c.1483C>A on transcript NM_004369.4 (MANE Select); coding-DNA position 1483, C replaced by A.
Protein change: p.Pro495Thr; replaces proline 495 with threonine.
Molecular consequence: missense variant.
Genome position (GRCh38, 1-based): chr2:237,381,329, G>T on the plus strand (C>A on the coding strand, the complement: COL6A3 is on the minus strand). VCF-style: chr2-237381329-G-T. GRCh37 (hg19) VCF-style: chr2-238289972-G-T.
Other names: c.262C>A, p.Pro88Thr (NM_057164.5, NM_057166.5); c.865C>A, p.Pro289Thr (NM_057165.5, NM_057167.4); short protein forms P289T, P495T, P88T.
Identifiers: ClinVar variation 2079058 (VCV002079058.6), dbSNP rs2469929886, ClinGen allele CA351217951.

ClinVar aggregate classification (germline): Uncertain significance. Review status: criteria provided, multiple submitters, no conflicts (2 of 4 stars). 3 submissions from 3 submitters: Uncertain significance (3). Last evaluated 2024-05-07.

Conditions:
Bethlem myopathy 1C (BTHLM1C). Identifiers: MedGen C5935581, MONDO:0958234, OMIM 620726.
Dystonia 27 (DYT27). Identifiers: Orphanet 464440, MedGen C4225336, MONDO:0014627, OMIM 616411.
Ullrich congenital muscular dystrophy 1C (UCMD1C). Identifiers: MedGen C5935583, MONDO:0958236, OMIM 620728.
Bethlem myopathy 1A. Also called: MYOPATHY, BENIGN CONGENITAL, WITH CONTRACTURES; Bethlem Muscular Dystrophy; Bethlem myopathy 1. Identifiers: Orphanet 610, MedGen CN029274, MONDO:0024530, OMIM 158810.

Submissions (3):

GeneDx
Classification: Uncertain significance. Last evaluated: 2024-05-07. Review status: criteria provided, single submitter. Criteria: GeneDx Variant Classification Process June 2021. Collection method: clinical testing. Allele origin: germline. Affected: yes.
Comment: Not observed at significant frequency in large population cohorts (gnomAD); In silico analysis supports that this missense variant has a deleterious effect on protein structure/function; Has not been previously published as pathogenic or benign to our knowledge

Fulgent Genetics
Classification: Uncertain significance for Dystonia 27; Bethlem myopathy 1C; Ullrich congenital muscular dystrophy 1C. Last evaluated: 2024-05-03. Review status: criteria provided, single submitter. Criteria: ACMG Guidelines, 2015. Collection method: clinical testing. Allele origin: germline.

Labcorp Genetics (formerly Invitae), Labcorp
Classification: Uncertain significance for Bethlem myopathy 1A. Last evaluated: 2022-10-23. Review status: criteria provided, single submitter. Criteria: Invitae Variant Classification Sherloc (09022015). Collection method: clinical testing. Allele origin: germline.
Comment: This sequence change replaces proline, which is neutral and non-polar, with threonine, which is neutral and polar, at codon 495 of the COL6A3 protein (p.Pro495Thr). This variant is not present in population databases (gnomAD no frequency). This variant has not been reported in the literature in individuals affected with COL6A3-related conditions. Advanced modeling of protein sequence and biophysical properties (such as structural, functional, and spatial information, amino acid conservation, physicochemical variation, residue mobility, and thermodynamic stability) performed at Invitae indicates that this missense variant is not expected to disrupt COL6A3 protein function. In summary, the available evidence is currently insufficient to determine the role of this variant in disease. Therefore, it has been classified as a Variant of Uncertain Significance.